The following is an entry in ClinVar:

NM_182493.3(MYLK3):c.949G>A (p.Gly317Arg)

Gene: MYLK3 (myosin light chain kinase 3; minus strand). Cytogenetic location: 16q11.2.
Variant type: single nucleotide variant.
Coding change: c.949G>A on transcript NM_182493.3 (MANE Select); coding-DNA position 949, G replaced by A.
Protein change: p.Gly317Arg; replaces glycine 317 with arginine.
Molecular consequence: missense variant. On other transcripts: intron variant (1).
Genome position (GRCh38, 1-based): chr16:46,737,763, C>T on the plus strand (G>A on the coding strand, the complement: MYLK3 is on the minus strand). VCF-style: chr16-46737763-C-T. GRCh37 (hg19) VCF-style: chr16-46771675-C-T.
Other names: c.-23+2294G>A (NM_001308301.1); c.949G>A (NM_182493.2); short protein forms G317R.
Identifiers: ClinVar variation 2895036 (VCV002895036.4), dbSNP rs1372590569, ClinGen allele CA395793907.
Genomic context (GRCh38, chr16:46,737,763, plus strand): 5'-CCCCTTACCTTGGAGGTGTTTCTCCACCACTGTGGGTTGCCCTGGCCTGGGCTGGCAGCC[C>T]TGGAGGCCCTGGGCACTGAGGGCCAGGCCCTGGAGTCAGCCTCGTGCCTTCCTCTAAGGG-3'
Protein context (NP_872299.2, residues 307-327): GPGPQCPGPP[Gly317Arg]LPAQARATHS

ClinVar aggregate classification (germline): Uncertain significance. Review status: criteria provided, multiple submitters, no conflicts (2 of 4 stars). 2 submissions from 2 submitters: Uncertain significance (2). Last evaluated 2025-12-11.

Allele frequency attached by ClinVar (database versions not stated): TOPMed 0.00001; gnomAD 0.00001.
gnomAD v4.1: 1 of 1,610,832 alleles (0.000062%); highest among the groups gnomAD compares: Non-Finnish European, 0.000085%; no homozygotes.

Submissions (2):

Ambry Genetics
Classification: Uncertain significance. Last evaluated: 2025-12-11. Review status: criteria provided, single submitter. Criteria: Ambry Variant Classification Scheme 2023. Collection method: clinical testing. Allele origin: germline.

Labcorp Genetics (formerly Invitae), Labcorp
Classification: Uncertain significance. Last evaluated: 2025-05-27. Review status: criteria provided, single submitter. Criteria: Invitae Variant Classification Sherloc (09022015). Collection method: clinical testing. Allele origin: germline.
Comment: This sequence change replaces glycine, which is neutral and non-polar, with arginine, which is basic and polar, at codon 317 of the MYLK3 protein (p.Gly317Arg). This variant is not present in population databases (gnomAD no frequency). This variant has not been reported in the literature in individuals affected with MYLK3-related conditions. ClinVar contains an entry for this variant (Variation ID: 2895036). An algorithm developed to predict the effect of missense changes on protein structure and function (PolyPhen-2) suggests that this variant is likely to be tolerated. In summary, the available evidence is currently insufficient to determine the role of this variant in disease. Therefore, it has been classified as a Variant of Uncertain Significance.